The following is an entry in ClinVar:

ClinVar aggregate classification (germline): Uncertain significance (1 of 4 stars; one submission).

Conditions:
Familial intrahepatic cholestasis. Identifiers: Orphanet 284385, MedGen CN296401, MONDO:0017290.
Low phospholipid associated cholelithiasis (GBD1). Also called: Gallbladder disease 1; Gallstone cholecystitis. Identifiers: Orphanet 69663, MedGen C2609268, MONDO:0010939, OMIM 600803.

Submission:

Genomenon, Inc
Classification: Uncertain significance for Familial intrahepatic cholestasis; Low phospholipid associated cholelithiasis. Last evaluated: 2026-04-14. Review status: criteria provided, single submitter. Criteria: Genomenon Sequence Variant Interpretation Standards - Updated. Collection method: curation. Allele origin: germline. Affected: yes.
Comment: ABCB4 p.Gly414Val (c.1241G>T) is a missense variant that changes the amino acid at residue 414 from Glycine to Valine. This variant has been observed in at least one proband with an ABCB4-related disorder (PMID:38610052). It is absent or not present at a significant frequency in gnomAD. In conclusion, we classify ABCB4 p.Gly414Val (c.1241G>T) as a variant of uncertain significance.

Literature cited by the submitters: PubMed 38610052.

NM_000443.4(ABCB4):c.1241G>T (p.Gly414Val)

Gene: ABCB4 (ATP binding cassette subfamily B member 4; minus strand). Cytogenetic location: 7q21.12.
Variant type: single nucleotide variant.
Coding change: c.1241G>T on transcript NM_000443.4 (MANE Select); coding-DNA position 1241, G replaced by T.
Protein change: p.Gly414Val; replaces glycine 414 with valine.
Molecular consequence: missense variant.
Genome position (GRCh38, 1-based): chr7:87,443,434, C>A on the plus strand (G>T on the coding strand, the complement: ABCB4 is on the minus strand). VCF-style: chr7-87443434-C-A. GRCh37 (hg19) VCF-style: chr7-87072750-C-A.
Other names: c.1241G>T, p.Gly414Val (NM_018849.3, NM_018850.3); short protein forms G414V.
Identifiers: ClinVar variation 4846470 (VCV004846470.1).